The following is an entry in ClinVar:

ClinVar aggregate classification (germline): Uncertain significance (1 of 4 stars; one submission).

Conditions:
Encephalopathy, acute, infection-induced (herpes-specific), susceptibility to, 1. Also called: Herpes simplex encephalitis, susceptibility to, 1. Identifiers: Orphanet 1930, MedGen C2750180, MONDO:0024563, OMIM 610551.

Submission:

Labcorp Genetics (formerly Invitae), Labcorp
Classification: Uncertain significance for Encephalopathy, acute, infection-induced (herpes-specific), susceptibility to, 1. Last evaluated: 2022-10-20. Review status: criteria provided, single submitter. Criteria: Invitae Variant Classification Sherloc (09022015). Collection method: clinical testing. Allele origin: germline.
Comment: In summary, the available evidence is currently insufficient to determine the role of this variant in disease. Therefore, it has been classified as a Variant of Uncertain Significance. This sequence change replaces asparagine, which is neutral and polar, with serine, which is neutral and polar, at codon 180 of the TLR3 protein (p.Asn180Ser). This variant is not present in population databases (gnomAD no frequency). This variant has not been reported in the literature in individuals affected with TLR3-related conditions. Algorithms developed to predict the effect of missense changes on protein structure and function output the following: SIFT: "Tolerated"; PolyPhen-2: "Benign"; Align-GVGD: "Class C0". The serine amino acid residue is found in multiple mammalian species, which suggests that this missense change does not adversely affect protein function.

NM_003265.3(TLR3):c.539A>G (p.Asn180Ser)

Gene: TLR3 (toll like receptor 3; plus strand). Cytogenetic location: 4q35.1.
Variant type: single nucleotide variant.
Coding change: c.539A>G on transcript NM_003265.3 (MANE Select); coding-DNA position 539, A replaced by G.
Protein change: p.Asn180Ser; replaces asparagine 180 with serine.
Molecular consequence: missense variant.
Genome position (GRCh38, 1-based): chr4:186,078,937, A>G. VCF-style: chr4-186078937-A-G. GRCh37 (hg19) VCF-style: chr4-187000091-A-G.
Other names: short protein forms N180S.
Identifiers: ClinVar variation 1721921 (VCV001721921.6), dbSNP rs2478215651, ClinGen allele CA359108278.
Genomic context (GRCh38, chr4:186,078,937, plus strand): 5'-CATCTACAAAATTAGGAACTCAGGTTCAGCTGGAAAATCTCCAAGAGCTTCTATTATCAA[A>G]CAATAAAATTCAAGCGCTAAAAAGTGAAGAACTGGATATCTTTGCCAATTCATCTTTAAA-3'
Protein context (NP_003256.1, residues 170-190): LENLQELLLS[Asn180Ser]NKIQALKSEE